The following is an entry in ClinVar:

ClinVar aggregate classification (germline): Benign. Review status: criteria provided, multiple submitters, no conflicts (2 of 4 stars). 2 submissions from 2 submitters: Benign (2). Last evaluated 2018-06-16.

Allele frequency attached by ClinVar (database versions not stated): gnomAD exomes 0.00384 and 0.00914; ExAC 0.01094; gnomAD 0.03188 and 0.03399; 1000 Genomes Project 0.03415; ESP Exome Variant Server 0.03445; 1000 Genomes Project 30x 0.03529; TOPMed 0.03574.
gnomAD v4.1: 10,580 of 1,568,068 alleles (0.67%); highest among the groups gnomAD compares: African/African-American, 11%; 437 homozygotes.

Submissions (2):

GeneDx
Classification: Benign. Last evaluated: 2018-06-16. Review status: criteria provided, single submitter. Criteria: GeneDx Variant Classification (06012015). Collection method: clinical testing. Allele origin: germline. Affected: yes.
Comment: This variant is considered likely benign or benign based on one or more of the following criteria: it is a conservative change, it occurs at a poorly conserved position in the protein, it is predicted to be benign by multiple in silico algorithms, and/or has population frequency not consistent with disease.

PreventionGenetics, part of Exact Sciences
Classification: Benign. Review status: criteria provided, single submitter. Criteria: ACMG Guidelines, 2015. Collection method: clinical testing. Allele origin: germline.

NM_000426.4(LAMA2):c.2749+34T>C

Gene: LAMA2 (laminin subunit alpha 2; plus strand). Cytogenetic location: 6q22.33.
Variant type: single nucleotide variant.
Coding change: c.2749+34T>C on transcript NM_000426.4 (MANE Select); 34 bases into the intron after coding-DNA position 2749, T replaced by C.
Molecular consequence: intron variant.
Genome position (GRCh38, 1-based): chr6:129,288,092, T>C. VCF-style: chr6-129288092-T-C. GRCh37 (hg19) VCF-style: chr6-129609237-T-C.
Other names: c.2749+34T>C (NM_001079823.2).
Identifiers: ClinVar variation 256060 (VCV000256060.2), dbSNP rs9492296, ClinGen allele CA3993046.